The following is an entry in ClinVar:

NC_000005.9:g.(78135250_78181406)_(78181651_78251117)dup

Gene: ARSB (arylsulfatase B; minus strand). Cytogenetic location: 5q14.1.
Variant type: Duplication.
Identifiers: ClinVar variation 1722352 (VCV001722352.1).

ClinVar aggregate classification (germline): Likely pathogenic (1 of 4 stars; one submission).

Conditions:
Mucopolysaccharidosis type 6 (MPS6). Also called: MPS VI; N-ACETYLGALACTOSAMINE-4-SULFATASE DEFICIENCY; ARSB DEFICIENCY; ARYLSULFATASE B DEFICIENCY; MPS 6; Maroteaux Lamy syndrome. Identifiers: Orphanet 583, MedGen C0026709, MONDO:0009661, OMIM 253200.

Submission:

Women's Health and Genetics/Laboratory Corporation of America, LabCorp
Classification: Likely pathogenic for Mucopolysaccharidosis type 6. Last evaluated: 2022-09-12. Review status: criteria provided, single submitter. Criteria: LabCorp Variant Classification Summary - May 2015. Collection method: clinical testing. Allele origin: germline.
Comment: Variant summary: The variant identified by MLPA or other technology involves the duplication of exon 5 in the ARSB gene. A presumed nomenclature of c.(898+1_899-1)_(1142+1_1143-1)dup has been designated for the purposes of this classification. It has been assumed that this is a tandem duplication in direct orientation (Richardson_GIM_2018, Newman_AJHG_2015). Although exact breakpoints of this duplication are not known, it is expected to result in a frameshift in the ARSB gene, a known mechanism of disease. The variant allele was found at a frequency of 0.00014 in 21694 control chromosomes (gnomAD, Structural Variants dataset). To our knowledge, no occurrence of c.(898+1_899-1)_(1142+1_1143-1)dup in individuals affected with Mucopolysaccharidosis Type VI (Maroteaux-Lamy Syndrome) and no experimental evidence demonstrating its impact on protein function have been reported in the literature. A ClinVar submitter (evaluation after 2014) cites the variant as likely pathogenic reporting internal evidence of a similar copy number variant observed in individual(s) with a biochemical diagnosis of Maroteaux-Lamy syndrome VI (SCV000963358.3). Based on the evidence outlined above, the variant was classified as likely pathogenic.